The following is an entry in ClinVar:

NM_000540.3(RYR1):c.11512T>C (p.Cys3838Arg)

Gene: RYR1 (ryanodine receptor 1; plus strand). Cytogenetic location: 19q13.2.
Variant type: single nucleotide variant.
Coding change: c.11512T>C on transcript NM_000540.3 (MANE Select); coding-DNA position 11512, T replaced by C.
Protein change: p.Cys3838Arg; replaces cysteine 3838 with arginine.
Molecular consequence: missense variant.
Genome position (GRCh38, 1-based): chr19:38,535,388, T>C. VCF-style: chr19-38535388-T-C. GRCh37 (hg19) VCF-style: chr19-39026028-T-C.
Other names: c.11497T>C, p.Cys3833Arg (NM_001042723.2); short protein forms C3833R, C3838R.
Identifiers: ClinVar variation 3363461 (VCV003363461.2).

ClinVar aggregate classification (germline): Uncertain significance (1 of 4 stars; one submission).

gnomAD v4.1: 8 of 1,613,274 alleles (0.0005%); highest among the groups gnomAD compares: South Asian, 0.0011%; no homozygotes.

Submission:

GeneDx
Classification: Uncertain significance. Last evaluated: 2026-01-31. Review status: criteria provided, single submitter. Criteria: GeneDx Variant Classification Process June 2021. Collection method: clinical testing. Allele origin: germline.
Comment: Not observed at significant frequency in large population cohorts (gnomAD); In silico analysis supports that this missense variant has a deleterious effect on protein structure/function; Has not been previously published as pathogenic or benign to our knowledge